The following is an entry in ClinVar:

NM_000352.6(ABCC8):c.4190C>T (p.Thr1397Met)

Gene: ABCC8 (ATP binding cassette subfamily C member 8; minus strand). Cytogenetic location: 11p15.1.
Variant type: single nucleotide variant.
Coding change: c.4190C>T on transcript NM_000352.6 (MANE Select); coding-DNA position 4190, C replaced by T.
Protein change: p.Thr1397Met; replaces threonine 1397 with methionine.
Molecular consequence: missense variant. On other transcripts: non-coding transcript variant (1).
Genome position (GRCh38, 1-based): chr11:17,395,860, G>A on the plus strand (C>T on the coding strand, the complement: ABCC8 is on the minus strand). VCF-style: chr11-17395860-G-A. GRCh37 (hg19) VCF-style: chr11-17417407-G-A.
Other names: c.4193C>T, p.Thr1398Met (NM_001287174.3); c.4256C>T, p.Thr1419Met (NM_001351295.2); c.4190C>T, p.Thr1397Met (NM_001351296.2); c.4187C>T, p.Thr1396Met (NM_001351297.2); short protein forms T1396M, T1397M, T1398M, T1419M.
Identifiers: ClinVar variation 3354474 (VCV003354474.1).
Genomic context (GRCh38, chr11:17,395,860, plus strand): 5'-GGCCTCATCTGGTGGCTGTGGGTACACGTGGGGTGCCCGCCTTACAACTCACCTTCGAAC[G>A]TGTCCACCATGCGGAAGAAGGCAAGAGAGAAGGAGGACTTCCCACTGCCGGTGCGGCCGC-3'
Protein context (NP_000343.2, residues 1387-1407): FSLAFFRMVD[Thr1397Met]FEGHIIIDGI

ClinVar aggregate classification (germline): Uncertain significance (0 of 4 stars; one submission).

Conditions:
ABCC8-related disorder.

gnomAD v4.1: 59 of 1,582,638 alleles (0.0037%); highest among the groups gnomAD compares: Non-Finnish European, 0.0047%; no homozygotes.

Submission:

PreventionGenetics, part of Exact Sciences
Classification: Uncertain significance for ABCC8-related condition. Last evaluated: 2024-03-09. Review status: no assertion criteria provided. Collection method: clinical testing. Allele origin: germline.
Comment: The ABCC8 c.4190C>T variant is predicted to result in the amino acid substitution p.Thr1397Met. To our knowledge, this variant has not been reported in the literature. This variant is reported in 0.0047% of alleles in individuals of African descent in gnomAD. At this time, the clinical significance of this variant is uncertain due to the absence of conclusive functional and genetic evidence.